The following is an entry in ClinVar:

NM_004385.5(VCAN):c.3023A>C (p.Asp1008Ala)

Gene: VCAN (versican; plus strand). Cytogenetic location: 5q14.3.
Variant type: single nucleotide variant.
Coding change: c.3023A>C on transcript NM_004385.5 (MANE Select); coding-DNA position 3023, A replaced by C.
Protein change: p.Asp1008Ala; replaces aspartic acid 1008 with alanine.
Molecular consequence: missense variant. On other transcripts: intron variant (2).
Genome position (GRCh38, 1-based): chr5:83,521,329, A>C. VCF-style: chr5-83521329-A-C. GRCh37 (hg19) VCF-style: chr5-82817148-A-C.
Other names: c.3023A>C, p.Asp1008Ala (NM_001164098.2); c.1042+8933A>C (NM_001164097.2, NM_001126336.3); c.3023A>C (NM_004385.4); short protein forms D1008A.
Identifiers: ClinVar variation 1059045 (VCV001059045.12), dbSNP rs1273423282, ClinGen allele CA360305177.

ClinVar aggregate classification (germline): Uncertain significance. Review status: criteria provided, multiple submitters, no conflicts (2 of 4 stars). 3 submissions from 3 submitters: Uncertain significance (3). Last evaluated 2025-05-20.

Conditions:
Inborn genetic diseases. Identifiers: MedGen C0950123, MeSH D030342.

Allele frequency attached by ClinVar (database versions not stated): gnomAD exomes below 0.00001 and 0.00001; gnomAD 0.00001; TOPMed 0.00001.
gnomAD v4.1: 4 of 1,614,018 alleles (0.00025%); highest among the groups gnomAD compares: Non-Finnish European, 0.00034%; no homozygotes.

Submissions (3):

Ambry Genetics
Classification: Uncertain significance for Inborn genetic diseases. Last evaluated: 2025-05-20. Review status: criteria provided, single submitter. Criteria: Ambry Variant Classification Scheme 2023. Collection method: clinical testing. Allele origin: germline.

Labcorp Genetics (formerly Invitae), Labcorp
Classification: Uncertain significance. Last evaluated: 2023-10-10. Review status: criteria provided, single submitter. Criteria: Invitae Variant Classification Sherloc (09022015). Collection method: clinical testing. Allele origin: germline.
Comment: This sequence change replaces aspartic acid, which is acidic and polar, with alanine, which is neutral and non-polar, at codon 1008 of the VCAN protein (p.Asp1008Ala). This variant is present in population databases (no rsID available, gnomAD 0.0009%). This variant has not been reported in the literature in individuals affected with VCAN-related conditions. ClinVar contains an entry for this variant (Variation ID: 1059045). An algorithm developed to predict the effect of missense changes on protein structure and function (PolyPhen-2) suggests that this variant is likely to be tolerated. In summary, the available evidence is currently insufficient to determine the role of this variant in disease. Therefore, it has been classified as a Variant of Uncertain Significance.

Blueprint Genetics
Classification: Uncertain significance. Last evaluated: 2019-11-12. Review status: criteria provided, single submitter. Criteria: ACMG Guidelines, 2015. Collection method: clinical testing. Allele origin: germline.